The following is an entry in ClinVar:

NM_017636.4(TRPM4):c.1487C>G (p.Ala496Gly)

Gene: TRPM4 (transient receptor potential cation channel subfamily M member 4; plus strand). Cytogenetic location: 19q13.33.
Variant type: single nucleotide variant.
Coding change: c.1487C>G on transcript NM_017636.4 (MANE Select); coding-DNA position 1487, C replaced by G.
Protein change: p.Ala496Gly; replaces alanine 496 with glycine.
Molecular consequence: missense variant. On other transcripts: 5 prime UTR variant (1).
Genome position (GRCh38, 1-based): chr19:49,182,801, C>G. VCF-style: chr19-49182801-C-G. GRCh37 (hg19) VCF-style: chr19-49686058-C-G.
Other names: c.1487C>G, p.Ala496Gly (NM_001195227.2); c.1142C>G, p.Ala381Gly (NM_001321281.2); c.-67C>G (NM_001321282.2); c.965C>G, p.Ala322Gly (NM_001321283.2); c.425C>G, p.Ala142Gly (NM_001321285.2); c.1487C>G (NM_017636.3); short protein forms A381G, A142G, A322G, A496G.
Identifiers: ClinVar variation 1406695 (VCV001406695.9), dbSNP rs756288554, ClinGen allele CA309443019.

ClinVar aggregate classification (germline): Uncertain significance. Review status: criteria provided, multiple submitters, no conflicts (2 of 4 stars). 2 submissions from 2 submitters: Uncertain significance (2). Last evaluated 2025-08-19.

Conditions:
Progressive familial heart block type IB (PFHB1B). Identifiers: Orphanet 871, MedGen C1970298, MONDO:0011474, OMIM 604559.
Cardiovascular phenotype. Identifiers: MedGen CN230736.

Allele frequency attached by ClinVar (database versions not stated): TOPMed 0.00001; gnomAD exomes below 0.00001; gnomAD 0.00001.
gnomAD v4.1: 16 of 1,577,434 alleles (0.001%); highest among the groups gnomAD compares: Non-Finnish European, 0.0013%; no homozygotes.

Submissions (2):

Ambry Genetics
Classification: Uncertain significance for Cardiovascular phenotype. Last evaluated: 2025-08-19. Review status: criteria provided, single submitter. Criteria: Ambry Variant Classification Scheme 2023. Collection method: clinical testing. Allele origin: germline.
Comment: The p.A496G variant (also known as c.1487C>G), located in coding exon 11 of the TRPM4 gene, results from a C to G substitution at nucleotide position 1487. The alanine at codon 496 is replaced by glycine, an amino acid with similar properties. This amino acid position is conserved. In addition, this alteration is predicted to be tolerated by in silico analysis. Based on the available evidence, the clinical significance of this variant remains unclear.

Labcorp Genetics (formerly Invitae), Labcorp
Classification: Uncertain significance for Progressive familial heart block type IB. Last evaluated: 2025-07-14. Review status: criteria provided, single submitter. Criteria: Invitae Variant Classification Sherloc (09022015). Collection method: clinical testing. Allele origin: germline.
Comment: This sequence change replaces alanine, which is neutral and non-polar, with glycine, which is neutral and non-polar, at codon 496 of the TRPM4 protein (p.Ala496Gly). This variant is present in population databases (rs756288554, gnomAD 0.0009%). This variant has not been reported in the literature in individuals affected with TRPM4-related conditions. ClinVar contains an entry for this variant (Variation ID: 1406695). An algorithm developed to predict the effect of missense changes on protein structure and function outputs the following: PolyPhen-2: "Benign". The glycine amino acid residue is found in multiple mammalian species, which suggests that this missense change does not adversely affect protein function. In summary, the available evidence is currently insufficient to determine the role of this variant in disease. Therefore, it has been classified as a Variant of Uncertain Significance.